The following is an entry in ClinVar:

NM_144631.6(ZNF513):c.383G>C (p.Gly128Ala)

Gene: ZNF513 (zinc finger protein 513; minus strand). Cytogenetic location: 2p23.3.
Variant type: single nucleotide variant.
Coding change: c.383G>C on transcript NM_144631.6 (MANE Select); coding-DNA position 383, G replaced by C.
Protein change: p.Gly128Ala; replaces glycine 128 with alanine.
Molecular consequence: missense variant.
Genome position (GRCh38, 1-based): chr2:27,378,883, C>G on the plus strand (G>C on the coding strand, the complement: ZNF513 is on the minus strand). VCF-style: chr2-27378883-C-G. GRCh37 (hg19) VCF-style: chr2-27601750-C-G.
Other names: c.197G>C, p.Gly66Ala (NM_001201459.2); short protein forms G128A, G66A.
Identifiers: ClinVar variation 3671445 (VCV003671445.2).

ClinVar aggregate classification (germline): Uncertain significance (1 of 4 stars; one submission).

Submission:

Labcorp Genetics (formerly Invitae), Labcorp
Classification: Uncertain significance. Last evaluated: 2024-03-07. Review status: criteria provided, single submitter. Criteria: Invitae Variant Classification Sherloc (09022015). Collection method: clinical testing. Allele origin: germline.
Comment: This sequence change replaces glycine, which is neutral and non-polar, with alanine, which is neutral and non-polar, at codon 128 of the ZNF513 protein (p.Gly128Ala). This variant is not present in population databases (gnomAD no frequency). This variant has not been reported in the literature in individuals affected with ZNF513-related conditions. An algorithm developed to predict the effect of missense changes on protein structure and function (PolyPhen-2) suggests that this variant is likely to be tolerated. Algorithms developed to predict the effect of sequence changes on RNA splicing suggest that this variant may create or strengthen a splice site. In summary, the available evidence is currently insufficient to determine the role of this variant in disease. Therefore, it has been classified as a Variant of Uncertain Significance.